The following is an entry in ClinVar:

NM_006492.3(ALX3):c.280GAG[1] (p.Glu95del)

Gene: ALX3 (ALX homeobox 3; minus strand). Cytogenetic location: 1p13.3.
Variant type: Microsatellite.
Coding change: c.280GAG[1] on transcript NM_006492.3 (MANE Select); one copy of the 3-base unit GAG starting at c.280; the reference has two copies in a row; one copy, 3 bases deleted.
Protein change: p.Glu95del; deletes glutamic acid 95.
Genome position (GRCh38, 1-based): chr1:110,064,896-110,064,898, CTC deleted on the plus strand (GAG on the coding strand, the reverse complement: ALX3 is on the minus strand); deleting any 3 consecutive bases within chr1:110,064,896-110,064,901 gives the same sequence; the position shown is the placement nearest the transcript's 3' end. VCF-style (leftmost placement, unchanged base first): chr1-110064895-TCTC-T. GRCh37 (hg19) VCF-style: chr1-110607517-TCTC-T.
Other names: short protein forms E95del.
Identifiers: ClinVar variation 4805529 (VCV004805529.1).

ClinVar aggregate classification (germline): Uncertain significance (1 of 4 stars; one submission).

Submission:

Labcorp Genetics (formerly Invitae), Labcorp
Classification: Uncertain significance. Last evaluated: 2025-04-03. Review status: criteria provided, single submitter. Criteria: Invitae Variant Classification Sherloc (09022015). Collection method: clinical testing. Allele origin: germline.
Comment: This variant, c.283_285del, results in the deletion of 1 amino acid(s) of the ALX3 protein (p.Glu95del), but otherwise preserves the integrity of the reading frame. This variant is present in population databases (rs752692366, gnomAD 0.04%). This variant has not been reported in the literature in individuals affected with ALX3-related conditions. Experimental studies and prediction algorithms are not available or were not evaluated, and the functional significance of this variant is currently unknown. In summary, the available evidence is currently insufficient to determine the role of this variant in disease. Therefore, it has been classified as a Variant of Uncertain Significance.